The following is an entry in ClinVar:

ClinVar aggregate classification (germline): Uncertain significance. Review status: criteria provided, multiple submitters, no conflicts (2 of 4 stars). 2 submissions from 2 submitters: Uncertain significance (2). Last evaluated 2024-08-19.

Conditions:
Hypertrophic cardiomyopathy 1 (CMH1). Also called: Familial hypertrophic cardiomyopathy 1; MYH7-Related Familial Hypertrophic Cardiomyopathy. Identifiers: MedGen C3495498, MONDO:0008647, OMIM 192600.

Allele frequency attached by ClinVar (database versions not stated): 1000 Genomes Project 30x 0.00016; TOPMed 0.00003; 1000 Genomes Project 0.00020; gnomAD 0.00003.
gnomAD v4.1: 21 of 1,613,946 alleles (0.0013%); highest among the groups gnomAD compares: South Asian, 0.0066%; no homozygotes.

Submissions (2):

Labcorp Genetics (formerly Invitae), Labcorp
Classification: Uncertain significance for Hypertrophic cardiomyopathy 1. Last evaluated: 2024-08-19. Review status: criteria provided, single submitter. Criteria: Invitae Variant Classification Sherloc (09022015). Collection method: clinical testing. Allele origin: germline.
Comment: This sequence change replaces proline, which is neutral and non-polar, with leucine, which is neutral and non-polar, at codon 352 of the MYLK2 protein (p.Pro352Leu). This variant is present in population databases (rs549697670, gnomAD 0.01%). This variant has not been reported in the literature in individuals affected with MYLK2-related conditions. ClinVar contains an entry for this variant (Variation ID: 2038590). Invitae Evidence Modeling of protein sequence and biophysical properties (such as structural, functional, and spatial information, amino acid conservation, physicochemical variation, residue mobility, and thermodynamic stability) indicates that this missense variant is not expected to disrupt MYLK2 protein function with a negative predictive value of 80%. In summary, the available evidence is currently insufficient to determine the role of this variant in disease. Therefore, it has been classified as a Variant of Uncertain Significance.

Ambry Genetics
Classification: Uncertain significance. Last evaluated: 2023-06-03. Review status: criteria provided, single submitter. Criteria: Ambry Variant Classification Scheme 2023. Collection method: clinical testing. Allele origin: germline.
Comment: The p.P352L variant (also known as c.1055C>T), located in coding exon 6 of the MYLK2 gene, results from a C to T substitution at nucleotide position 1055. The proline at codon 352 is replaced by leucine, an amino acid with similar properties. This amino acid position is conserved. In addition, this alteration is predicted to be tolerated by in silico analysis. Since supporting evidence is limited at this time, the clinical significance of this alteration remains unclear.

NM_033118.4(MYLK2):c.1055C>T (p.Pro352Leu)

Gene: MYLK2 (myosin light chain kinase 2; plus strand). Cytogenetic location: 20q11.21.
Variant type: single nucleotide variant.
Coding change: c.1055C>T on transcript NM_033118.4 (MANE Select); coding-DNA position 1055, C replaced by T.
Protein change: p.Pro352Leu; replaces proline 352 with leucine.
Molecular consequence: missense variant.
Genome position (GRCh38, 1-based): chr20:31,826,687, C>T. VCF-style: chr20-31826687-C-T. GRCh37 (hg19) VCF-style: chr20-30414490-C-T.
Other names: short protein forms P352L.
Identifiers: ClinVar variation 2038590 (VCV002038590.6), dbSNP rs549697670, ClinGen allele CA9803089.